The following is an entry in ClinVar:

NM_021971.4(GMPPB):c.1036C>T (p.His346Tyr)

Gene: GMPPB (GDP-mannose pyrophosphorylase B; minus strand). Cytogenetic location: 3p21.31.
Variant type: single nucleotide variant.
Coding change: c.1036C>T on transcript NM_021971.4 (MANE Select); coding-DNA position 1036, C replaced by T.
Protein change: p.His346Tyr; replaces histidine 346 with tyrosine.
Molecular consequence: missense variant.
Genome position (GRCh38, 1-based): chr3:49,721,799, G>A on the plus strand (C>T on the coding strand, the complement: GMPPB is on the minus strand). VCF-style: chr3-49721799-G-A. GRCh37 (hg19) VCF-style: chr3-49759232-G-A.
Other names: c.1117C>T, p.His373Tyr (NM_013334.4); short protein forms H373Y, H346Y.
Identifiers: ClinVar variation 1995229 (VCV001995229.4), dbSNP rs1254424893, ClinGen allele CA352826008.

ClinVar aggregate classification (germline): Uncertain significance (1 of 4 stars; one submission).

Conditions:
Muscular dystrophy-dystroglycanopathy (congenital with impaired intellectual development), type B, 14. Also called: MUSCULAR DYSTROPHY, CONGENITAL, GMPPB-RELATED; Congenital muscular dystrophy-dystroglycanopathy with mental retardation, type B14; Muscular dystrophy-dystroglycanopathy (congenital with intellectual disability), type B14. Identifiers: MedGen C3809221, MONDO:0014141, OMIM 615351.
Muscular dystrophy-dystroglycanopathy (congenital with brain and eye anomalies), type A14. Also called: WALKER-WARBURG SYNDROME OR MUSCLE-EYE-BRAIN DISEASE, GMPPB-RELATED; Muscular dystrophy-dystroglycanopathy (congenital with brain and eye anomalies), type a, 14; Congenital Muscular Dystrophy-Dystroglycanopathy with Brain and Eye Anomalies Type A 14; Congenital muscular dystrophy-dystroglycanopathy with brain and eye anomalies, type A14. Identifiers: Orphanet 588, MedGen C3809216, MONDO:0014140, OMIM 615350.
Autosomal recessive limb-girdle muscular dystrophy type 2T. Also called: MUSCULAR DYSTROPHY-DYSTROGLYCANOPATHY, LIMB-GIRDLE, GMPPB-RELATED; MUSCULAR DYSTROPHY, LIMB-GIRDLE, TYPE 2T; Muscular dystrophy-dystroglycanopathy (limb-girdle), type c, 14; Limb-girdle muscular dystrophy-dystroglycanopathy, type C14. Identifiers: Orphanet 363623, MedGen C4518000, MONDO:0014142, OMIM 615352.

Allele frequency attached by ClinVar (database versions not stated): gnomAD exomes below 0.00001; gnomAD 0.00001; TOPMed below 0.00001.
gnomAD v4.1: 3 of 1,611,752 alleles (0.00019%); highest among the groups gnomAD compares: Admixed American, 0.0017%; no homozygotes.

Submission:

Labcorp Genetics (formerly Invitae), Labcorp
Classification: Uncertain significance for Autosomal recessive limb-girdle muscular dystrophy type 2T; Muscular dystrophy-dystroglycanopathy (congenital with brain and eye anomalies), type A14; Muscular dystrophy-dystroglycanopathy (congenital with impaired intellectual development), type B, 14. Last evaluated: 2025-10-01. Review status: criteria provided, single submitter. Criteria: Invitae Variant Classification Sherloc (09022015). Collection method: clinical testing. Allele origin: germline.
Comment: This sequence change replaces histidine, which is basic and polar, with tyrosine, which is neutral and polar, at codon 346 of the GMPPB protein (p.His346Tyr). This variant is not present in population databases (gnomAD no frequency). This variant has not been reported in the literature in individuals affected with GMPPB-related conditions. ClinVar contains an entry for this variant (Variation ID: 1995229). Invitae Evidence Modeling of protein sequence and biophysical properties (such as structural, functional, and spatial information, amino acid conservation, physicochemical variation, residue mobility, and thermodynamic stability) indicates that this missense variant is not expected to disrupt GMPPB protein function with a negative predictive value of 95%. In summary, the available evidence is currently insufficient to determine the role of this variant in disease. Therefore, it has been classified as a Variant of Uncertain Significance.